The following is an entry in ClinVar:

ClinVar aggregate classification (germline): Conflicting classifications of pathogenicity. Review status: criteria provided, conflicting classifications (1 of 4 stars). 10 submissions from 10 submitters: Uncertain significance (2); Benign (2); Likely benign (5). 1 of the submissions does not count toward it. Last evaluated 2026-01-30.

Conditions:
POLD1-related polyposis and colorectal cancer syndrome (CRCS10). Also called: COLORECTAL CANCER, SUSCEPTIBILITY TO, ON CHROMOSOME 19q; Colorectal cancer 10; Colorectal cancer, susceptibility to, 10. Identifiers: Orphanet 220460, MedGen C2675481, MONDO:0012953, OMIM 612591.
Intrauterine growth retardation, metaphyseal dysplasia, adrenal hypoplasia congenita, genital anomalies, and immunodeficiency. Also called: IMAGEI SYNDROME. Identifiers: MedGen C5193036, MONDO:0032684, OMIM 618336.
Colorectal cancer, susceptibility to, 12 (CRCS12). Also called: COLORECTAL CANCER, SUSCEPTIBILITY TO, ON CHROMOSOME 12q24. Identifiers: Orphanet 220460, MedGen C3554460, MONDO:0014038, OMIM 615083.
Facial dysmorphism-immunodeficiency-livedo-short stature syndrome. Also called: FILS syndrome; Facial dysmorphism, immunodeficiency, livedo, and short stature. Identifiers: Orphanet 352712, MedGen C3554576, MONDO:0014058, OMIM 615139.
POLE-related disorder. Also called: POLE-related disorders; POLE-related condition.
Hereditary cancer-predisposing syndrome. Also called: Hereditary Cancer Syndrome; Neoplastic Syndromes, Hereditary; Hereditary neoplastic syndrome; Tumor predisposition. Identifiers: Orphanet 140162, MedGen C0027672, MeSH D009386, MONDO:0015356.

Allele frequency attached by ClinVar (database versions not stated): 1000 Genomes Project 30x 0.00016; TOPMed 0.00037.
gnomAD v4.1: 324 of 1,612,764 alleles (0.02%); highest among the groups gnomAD compares: Middle Eastern, 0.066%; no homozygotes.

Submissions (10):

Labcorp Genetics (formerly Invitae), Labcorp
Classification: Likely benign. Last evaluated: 2026-01-30. Review status: criteria provided, single submitter. Criteria: Invitae Variant Classification Sherloc (09022015). Collection method: clinical testing. Allele origin: germline.

Center for Genomic Medicine, Rigshospitalet, Copenhagen University Hospital
Classification: Uncertain significance. Last evaluated: 2025-03-04. Review status: criteria provided, single submitter. Criteria: ACMG Guidelines, 2015. Collection method: clinical testing. Allele origin: germline.

Ambry Genetics
Classification: Benign for Hereditary cancer-predisposing syndrome. Last evaluated: 2024-02-27. Review status: criteria provided, single submitter. Criteria: Ambry Variant Classification Scheme 2023. Collection method: clinical testing. Allele origin: germline.

Molecular Pathology, Peter Maccallum Cancer Centre
Classification: Uncertain significance for POLD1-related polyposis and colorectal cancer syndrome. Last evaluated: 2024-01-16. Review status: criteria provided, single submitter. Criteria: ACMG Guidelines, 2015. Collection method: clinical testing. Allele origin: germline. Inheritance: Autosomal dominant inheritance.

Department of Pathology and Laboratory Medicine, Sinai Health System
Classification: Likely benign for Colorectal cancer, susceptibility to, 12; Facial dysmorphism-immunodeficiency-livedo-short stature syndrome; Intrauterine growth retardation, metaphyseal dysplasia, adrenal hypoplasia congenita, genital anomalies, and immunodeficiency. Last evaluated: 2023-04-21. Review status: criteria provided, single submitter. Criteria: ACMG Guidelines, 2015. Collection method: clinical testing. Allele origin: germline. Affected: yes.

Women's Health and Genetics/Laboratory Corporation of America, LabCorp
Classification: Likely benign. Last evaluated: 2022-07-10. Review status: criteria provided, single submitter. Criteria: LabCorp Variant Classification Summary - May 2015. Collection method: clinical testing. Allele origin: germline.

Sema4
Classification: Likely benign for Hereditary cancer-predisposing syndrome. Last evaluated: 2021-06-16. Review status: criteria provided, single submitter. Criteria: Sema4 Curation Guidelines. Collection method: curation. Allele origin: germline.

GeneDx
Classification: Likely benign. Last evaluated: 2020-10-08. Review status: criteria provided, single submitter. Criteria: GeneDx Variant Classification Process June 2021. Collection method: clinical testing. Allele origin: germline. Affected: yes.
Comment: This variant is associated with the following publications: (PMID: 28873162, 32973888, 29879026)

University of Washington Department of Laboratory Medicine, University of Washington
Classification: Benign for Colorectal cancer, susceptibility to, 12. Last evaluated: 2018-02-08. Review status: criteria provided, single submitter. Criteria: Shirts BH et al. (Genet Med 2016). Collection method: clinical testing. Allele origin: germline. Inheritance: Autosomal dominant inheritance. Affected: no.

PreventionGenetics, part of Exact Sciences
Classification: Uncertain significance for POLE-related condition. Last evaluated: 2024-09-16. Review status: no assertion criteria provided. Collection method: clinical testing. Allele origin: germline. Not counted in ClinVar's aggregate classification.
Comment: The POLE c.2089C>G variant is predicted to result in the amino acid substitution p.Pro697Ala. This variant has been reported at least once within a cohort of adolescent and young adults with a history of colon cancer (Table S3, Tricoli et al. 2018. PubMed ID: 29194591). This variant has also been reported in an individual with neurofibromatosis type 1, who also had a variant of uncertain significance in CHEK2 (Li et al. 2018. PubMed ID: 29879026). This variant has also been reported in individuals with breast cancer (Table S4, Bhai et al. 2021. PubMed ID: 34326862). This variant is reported in 0.16% of alleles in individuals of East Asian descent in gnomAD and has conflicting interpretations in ClinVar, ranging from benign to a variant of uncertain significance. At this time, the clinical significance of this variant is uncertain due to the absence of conclusive functional and genetic evidence.

Literature cited by the submitters: PubMed 29194591 (cited by 3 submitters); PubMed 29879026 (cited by Center for Genomic Medicine, Rigshospitalet, Copenhagen University Hospital and Sema4); PubMed 27244218 (cited by Department of Pathology and Laboratory Medicine, Sinai Health System).

NM_006231.4(POLE):c.2089C>G (p.Pro697Ala)

Gene: POLE (DNA polymerase epsilon, catalytic subunit; minus strand). Cytogenetic location: 12q24.33.
Variant type: single nucleotide variant.
Coding change: c.2089C>G on transcript NM_006231.4 (MANE Select); coding-DNA position 2089, C replaced by G.
Protein change: p.Pro697Ala; replaces proline 697 with alanine.
Molecular consequence: missense variant.
Genome position (GRCh38, 1-based): chr12:132,668,440, G>C on the plus strand (C>G on the coding strand, the complement: POLE is on the minus strand). VCF-style: chr12-132668440-G-C. GRCh37 (hg19) VCF-style: chr12-133245026-G-C.
Other names: short protein forms P697A.
Identifiers: ClinVar variation 240421 (VCV000240421.32), dbSNP rs5744800, ClinGen allele CA6893686.
Genomic context (GRCh38, chr12:132,668,440, plus strand): 5'-TCGCCTGTTCCTCGCGGGACAGTTCATGAAAGGCCCGAGCTGGCCCCTCTGGGAACAAGG[G>C]GGGGAACTTCTCTGACTCCAGCTGGTGCTGGATCCGATGGTATTCGCTGCGACTGGCTGG-3'
Protein context (NP_006222.2, residues 687-707): QHQLESEKFP[Pro697Ala]LFPEGPARAF